The following is an entry in ClinVar:

NM_015021.3(ZNF292):c.39C>T (p.Cys13=)

Genes: ZNF292 (zinc finger protein 292; plus strand), LOC129996783 (ATAC-STARR-seq lymphoblastoid active region 24794; plus strand). Cytogenetic location: 6q14.3.
Variant type: single nucleotide variant.
Coding change: c.39C>T on transcript NM_015021.3 (MANE Select); coding-DNA position 39, C replaced by T.
Protein change: p.Cys13=; no amino-acid change (cysteine 13 retained).
Molecular consequence: synonymous variant. On other transcripts: 5 prime UTR variant (1).
Genome position (GRCh38, 1-based): chr6:87,155,630, C>T. VCF-style: chr6-87155630-C-T. GRCh37 (hg19) VCF-style: chr6-87865348-C-T.
Other names: c.-527C>T (NM_001351444.2).
Identifiers: ClinVar variation 3055234 (VCV003055234.2), dbSNP rs1770498812, ClinGen allele CA365055812.

ClinVar aggregate classification (germline): Likely benign (0 of 4 stars; one submission).

Conditions:
ZNF292-related disorder. Also called: ZNF292-related condition.

Allele frequency attached by ClinVar (database versions not stated): gnomAD exomes below 0.00001; TOPMed below 0.00001.

Submission:

PreventionGenetics, part of Exact Sciences
Classification: Likely benign for ZNF292-related condition. Last evaluated: 2022-04-04. Review status: no assertion criteria provided. Collection method: clinical testing. Allele origin: germline.
Comment: This variant is classified as likely benign based on ACMG/AMP sequence variant interpretation guidelines (Richards et al. 2015 PMID: 25741868, with internal and published modifications).